The following is an entry in ClinVar:

NM_197968.4(ZMYM2):c.3929A>C (p.Tyr1310Ser)

Gene: ZMYM2 (zinc finger MYM-type containing 2; plus strand). Cytogenetic location: 13q12.11.
Variant type: single nucleotide variant.
Coding change: c.3929A>C on transcript NM_197968.4 (MANE Select); coding-DNA position 3929, A replaced by C.
Protein change: p.Tyr1310Ser; replaces tyrosine 1310 with serine.
Molecular consequence: missense variant. On other transcripts: non-coding transcript variant (1).
Genome position (GRCh38, 1-based): chr13:20,083,764, A>C. VCF-style: chr13-20083764-A-C. GRCh37 (hg19) VCF-style: chr13-20657904-A-C.
Other names: c.3929A>C, p.Tyr1310Ser (NM_001190964.4, NM_001190965.4, NM_001353157.2 and 4 more transcripts); c.3734A>C, p.Tyr1245Ser (NM_001353161.3); c.3668A>C, p.Tyr1223Ser (NM_001353163.2); short protein forms Y1223S, Y1245S, Y1310S.
Identifiers: ClinVar variation 1676792 (VCV001676792.2), dbSNP rs2141057573, ClinGen allele CA387470256.

ClinVar aggregate classification (germline): Uncertain significance (1 of 4 stars; one submission).

Conditions:
Neurodevelopmental-craniofacial syndrome with variable renal and cardiac abnormalities. Identifiers: MedGen C5561984, MONDO:0859190, OMIM 619522.

Submission:

Centre of Medical Genetics, University Hospital Muenster
Classification: Uncertain significance for Neurodevelopmental-craniofacial syndrome with variable renal and cardiac abnormalities. Last evaluated: 2022-03-30. Review status: criteria provided, single submitter. Criteria: ACMG Guidelines, 2015. Collection method: clinical testing. Allele origin: germline. Affected: yes. Observed: 1 variant allele, 1 heterozygote.
Comment: ACMG categories: PM1,PM2,PP3